The following is an entry in ClinVar:

NM_001170629.2(CHD8):c.2583CTT[1] (p.Phe862del)

Gene: CHD8 (chromodomain helicase DNA binding protein 8; minus strand). Cytogenetic location: 14q11.2.
Variant type: Microsatellite.
Coding change: c.2583CTT[1] on transcript NM_001170629.2 (MANE Select); one copy of the 3-base unit CTT starting at c.2583; the reference has two copies in a row; one copy, 3 bases deleted.
Protein change: p.Phe862del; deletes phenylalanine 862.
Genome position (GRCh38, 1-based): chr14:21,408,454-21,408,456, AAG deleted on the plus strand (CTT on the coding strand, the reverse complement: CHD8 is on the minus strand); deleting any 3 consecutive bases within chr14:21,408,454-21,408,459 gives the same sequence; the position shown is the placement nearest the transcript's 3' end. VCF-style (leftmost placement, unchanged base first): chr14-21408453-CAAG-C. GRCh37 (hg19) VCF-style: chr14-21876612-CAAG-C.
Other names: c.1746CTT[1], p.Phe583del (NM_020920.4); short protein forms F583del, F862del.
Identifiers: ClinVar variation 3725362 (VCV003725362.2).

ClinVar aggregate classification (germline): Uncertain significance (1 of 4 stars; one submission).

Submission:

Labcorp Genetics (formerly Invitae), Labcorp
Classification: Uncertain significance. Last evaluated: 2024-12-21. Review status: criteria provided, single submitter. Criteria: Invitae Variant Classification Sherloc (09022015). Collection method: clinical testing. Allele origin: germline.
Comment: This variant, c.2586_2588del, results in the deletion of 1 amino acid(s) of the CHD8 protein (p.Phe862del), but otherwise preserves the integrity of the reading frame. This variant is not present in population databases (gnomAD no frequency). This variant has not been reported in the literature in individuals affected with CHD8-related conditions. Experimental studies and prediction algorithms are not available or were not evaluated, and the functional significance of this variant is currently unknown. In summary, the available evidence is currently insufficient to determine the role of this variant in disease. Therefore, it has been classified as a Variant of Uncertain Significance.